The following is an entry in ClinVar:

NM_001510.4(GRID2):c.2825G>A (p.Arg942His)

Gene: GRID2 (glutamate ionotropic receptor delta type subunit 2; plus strand). Cytogenetic location: 4q22.2.
Variant type: single nucleotide variant.
Coding change: c.2825G>A on transcript NM_001510.4 (MANE Select); coding-DNA position 2825, G replaced by A.
Protein change: p.Arg942His; replaces arginine 942 with histidine.
Molecular consequence: missense variant.
Genome position (GRCh38, 1-based): chr4:93,772,299, G>A. VCF-style: chr4-93772299-G-A. GRCh37 (hg19) VCF-style: chr4-94693450-G-A.
Other names: c.2540G>A, p.Arg847His (NM_001286838.1); short protein forms R942H, R847H.
Identifiers: ClinVar variation 2190998 (VCV002190998.1), dbSNP rs778340925, ClinGen allele CA3012617.

ClinVar aggregate classification (germline): Uncertain significance (1 of 4 stars; one submission).

Allele frequency attached by ClinVar (database versions not stated): ExAC 0.00001; gnomAD 0.00001; TOPMed 0.00003.
gnomAD v4.1: 47 of 1,613,888 alleles (0.0029%); highest among the groups gnomAD compares: Non-Finnish European, 0.0034%; no homozygotes.

Submission:

Labcorp Genetics (formerly Invitae), Labcorp
Classification: Uncertain significance. Last evaluated: 2022-06-08. Review status: criteria provided, single submitter. Criteria: Invitae Variant Classification Sherloc (09022015). Collection method: clinical testing. Allele origin: germline.
Comment: This sequence change replaces arginine, which is basic and polar, with histidine, which is basic and polar, at codon 942 of the GRID2 protein (p.Arg942His). This variant is present in population databases (rs778340925, gnomAD 0.01%). This variant has not been reported in the literature in individuals affected with GRID2-related conditions. Algorithms developed to predict the effect of missense changes on protein structure and function are either unavailable or do not agree on the potential impact of this missense change (SIFT: "Deleterious"; PolyPhen-2: "Probably Damaging"; Align-GVGD: "Class C0"). In summary, the available evidence is currently insufficient to determine the role of this variant in disease. Therefore, it has been classified as a Variant of Uncertain Significance.